The following continues an entry in ClinVar:

NM_000257.4(MYH7):c.1750G>A (p.Gly584Ser)

Gene: MYH7. ClinVar aggregate classification (germline): Pathogenic/Likely pathogenic. Pathogenic (7); Likely pathogenic (6).

Submissions 10 to 13 of 13:

Victorian Clinical Genetics Services, Murdoch Childrens Research Institute
Classification: Pathogenic for Hypertrophic cardiomyopathy 1. Last evaluated: 2021-05-06. Review status: criteria provided, single submitter. Criteria: ACMG Guidelines, 2015. Collection method: clinical testing. Allele origin: germline. Inheritance: Autosomal dominant inheritance.
Comment: Based on the classification scheme VCGS_Germline_v1.3.4, this variant is classified as Pathogenic. Following criteria are met: 0105 - The mechanism of disease for this gene is not clearly established, however, missense variants have been proposed to act in a dominant negative manner (PMID: 24714796). (I) 0108 - This gene is associated with both recessive and dominant disease. Pathogenic variants in this gene are usually heterozygous, however a recessive inheritance pattern has been observed in severe cases (OMIM). (I) 0112 - The condition associated with this gene has incomplete penetrance (PMID: 29300372). (I) 0200 - Variant is predicted to result in a missense amino acid change from glycine to serine. (I) 0251 - This variant is heterozygous. (I) 0302 - Variant is present in gnomAD (v3) <0.001 for a dominant condition (1 heterozygote, 0 homozygotes). (SP) 0309 - An alternative amino acid change at the same position has been observed in gnomAD (v2) (1 heterozygote, 0 homozygotes). (I) 0501 - Missense variant consistently predicted to be damaging by multiple in silico tools or highly conserved with a major amino acid change. (SP) 0601 - Variant is located in the well-established functional myosin head domain (PMID: 29300372). (SP) 0702 - Other missense variants comparable to the one identified in this case have strong previous evidence for pathogenicity. These alternative changes (p.Gly584Arg, p.Gly584Cys) have been reported as pathogenic or likely pathogenic, and observed in patients with hypertrophic cardiomyopathy (HCM). An additional alternative change (p.Gly584Val) has been reported as a VUS (ClinVar, PMID: 27247418). (SP) 0801 - This variant has strong previous evidence of pathogenicity in unrelated individuals. This variant has been reported multiple times as likely pathogenic and pathogenic, and observed in several patients with HCM (ClinVar, PMID: 31308319, PMID: 28640247, PMID: 27247418, PMID: 26914223). (SP) 1208 - Inheritance information for this variant is not currently available in this individual. (I) Legend: (SP) - Supporting pathogenic, (I) - Information, (SB) - Supporting benign

Laboratory for Molecular Medicine, Mass General Brigham Personalized Medicine
Classification: Likely pathogenic for Hypertrophic cardiomyopathy. Last evaluated: 2019-04-05. Review status: criteria provided, single submitter. Criteria: ACMG Guidelines, 2015. Collection method: clinical testing. Allele origin: germline. Inheritance: Autosomal dominant inheritance.
Comment: The p.Gly584Ser variant in MYH7 has been reported in >5 individuals with HCM (Erdmann 2003, Zou 2013, Kapplinger 2014, Homburger 2016, LMM unpublished), and was absent large population studies. Glycine (Gly) at position 584 is highly conserved in evolution and the change to Serine (Ser) was predicted to be pathogenic using a computational tool clinically validated by our laboratory. This tool's pathogenic prediction is estimated to be correct 94% of the time (Jordan 2011). In addition, another variant at this position, p.Gly584Arg, has been categorized as pathogenic, supporting that changes at this position are not tolerated. Of note, this variant lies in the head region of the protein. Missense variants in this region have been reported and statistically indicated to be more likely to cause disease (Walsh 2016). In summary, although additional studies are required to fully establish its clinical significance, the p.Gly584Ser variant is likely pathogenic.The ACMG/AMP Criteria applied: PM1, PM2, PM5, PS4_Moderate, PP3.

Women's Health and Genetics/Laboratory Corporation of America, LabCorp
Classification: Pathogenic for Primary familial hypertrophic cardiomyopathy. Last evaluated: 2018-10-01. Review status: criteria provided, single submitter. Criteria: LabCorp Variant Classification Summary - May 2015. Collection method: clinical testing. Allele origin: germline.
Comment: Variant summary: MYH7 c.1750G>A (p.Gly584Ser) results in a non-conservative amino acid change in the encoded protein sequence. Five of five in-silico tools predict a damaging effect of the variant on protein function. The variant was absent in 247226 control chromosomes. c.1750G>A has been reported in the literature in multiple individuals affected with Hypertrophic Cardiomyopathy. A variant at the same codon, p.Gly584Arg, as well as variants in adjacent codons, have been associated with HCM, suggesting the codon and motif are critical for function. Together, these data indicate that the variant is very likely to be associated with disease. To our knowledge, no experimental evidence demonstrating an impact on protein function has been reported. Three clinical diagnostic laboratories have submitted clinical-significance assessments for this variant to ClinVar after 2014 without evidence for independent evaluation and all classified the variant as pathogenic/likely pathogenic. Based on the evidence outlined above, the variant was classified as pathogenic.

Human Genome Sequencing Center Clinical Lab, Baylor College of Medicine
Classification: Likely pathogenic for Hypertrophic cardiomyopathy 1. Last evaluated: 2018-02-08. Review status: criteria provided, single submitter. Criteria: ACMG Guidelines, 2015. Collection method: clinical testing. Allele origin: germline.
Comment: The c.1750G>A (p.Gly584Ser) variant in the MYH7 gene has been reported in multiple unrelated individuals with hypertrophic cardiomyopathy (HCM) (PMID: 12974739, 23283745, 24510615, 27247418). This variant is absent from large databases of genetic variation in the general population. A different missense variant at the same position, (p.Gly584Arg), has also been reported in individuals with HCM (PMID: 24093860, 1552912, 8335820, 27532257, 27247418). The c.1750G>A (p.Gly584Ser) variant in the MYH7 gene is classified as likely pathogenic.

Literature cited by the submitters: PubMed 12974739 (cited by 6 submitters); PubMed 23283745 (cited by 6 submitters); PubMed 24510615 (cited by 6 submitters); PubMed 26187847 (cited by Labcorp Genetics (formerly Invitae), Labcorp); PubMed 26914223 (cited by 4 submitters); PubMed 1552912 (cited by 3 submitters); PubMed 8282798 (cited by Labcorp Genetics (formerly Invitae), Labcorp); PubMed 8335820 (cited by Labcorp Genetics (formerly Invitae), Labcorp); PubMed 24093860 (cited by Labcorp Genetics (formerly Invitae), Labcorp and All of Us Research Program, National Institutes of Health); PubMed 27247418 (cited by 4 submitters); PubMed 28611029 (cited by 4 submitters); PubMed 28640247 (cited by 5 submitters); PubMed 31308319 (cited by 4 submitters); PubMed 31447099 (cited by Ambry Genetics); PubMed 33673806 (cited by Ambry Genetics and All of Us Research Program, National Institutes of Health); PubMed 34310159 (cited by Ambry Genetics and Color Diagnostics, LLC DBA Color Health); PubMed 37121957 (cited by Ambry Genetics and Color Diagnostics, LLC DBA Color Health); PubMed 37466024 (cited by Ambry Genetics and Color Diagnostics, LLC DBA Color Health); PubMed 27532257 (cited by Color Diagnostics, LLC DBA Color Health and All of Us Research Program, National Institutes of Health); PubMed 33495597 (cited by Color Diagnostics, LLC DBA Color Health); PubMed 24793961 (cited by All of Us Research Program, National Institutes of Health and Women's Health and Genetics/Laboratory Corporation of America, LabCorp); PubMed 30297972 (cited by All of Us Research Program, National Institutes of Health); PubMed 32894683 (cited by All of Us Research Program, National Institutes of Health); PubMed 24714796 (cited by Victorian Clinical Genetics Services, Murdoch Childrens Research Institute); PubMed 29300372 (cited by Victorian Clinical Genetics Services, Murdoch Childrens Research Institute); PubMed 18258667 (cited by Women's Health and Genetics/Laboratory Corporation of America, LabCorp).